The following is an entry in ClinVar:

NM_206933.4(USH2A):c.9201T>C (p.Asn3067=)

Gene: USH2A (usherin; minus strand). Cytogenetic location: 1q41.
Variant type: single nucleotide variant.
Coding change: c.9201T>C on transcript NM_206933.4 (MANE Select); coding-DNA position 9201, T replaced by C.
Protein change: p.Asn3067=; no amino-acid change (asparagine 3067 retained).
Molecular consequence: synonymous variant.
Genome position (GRCh38, 1-based): chr1:215,844,351, A>G on the plus strand (T>C on the coding strand, the complement: USH2A is on the minus strand). VCF-style: chr1-215844351-A-G. GRCh37 (hg19) VCF-style: chr1-216017693-A-G.
Identifiers: ClinVar variation 765769 (VCV000765769.30), dbSNP rs764236480, ClinGen allele CA1394387.

ClinVar aggregate classification (germline): Likely benign. Review status: criteria provided, multiple submitters, no conflicts (2 of 4 stars). 5 submissions from 5 submitters: Likely benign (4). 1 of the submissions does not count toward it. Last evaluated 2026-09-01.

Conditions:
USH2A-related disorder. Also called: USH2A-related disorders; USH2A-related condition. Identifiers: MedGen CN239332.
Usher syndrome type 2A. Also called: USHER SYNDROME, TYPE IIA; RETINAL DISEASE IN USHER SYNDROME TYPE IIA, MODIFIER OF. Identifiers: Orphanet 231178, Orphanet 886, MedGen C1848634, MONDO:0010169, OMIM 276901.

Allele frequency attached by ClinVar (database versions not stated): TOPMed 0.00002; gnomAD 0.00005; ExAC 0.00007; gnomAD exomes 0.00008.
gnomAD v4.1: 124 of 1,613,838 alleles (0.0077%); highest among the groups gnomAD compares: South Asian, 0.049%; 1 homozygote.

Submissions (5):

CeGaT Center for Human Genetics Tuebingen
Classification: Likely benign. Last evaluated: 2026-09-01. Review status: criteria provided, single submitter. Criteria: CeGaT Center For Human Genetics Tuebingen Variant Classification Criteria Version 2. Collection method: clinical testing. Allele origin: germline. Affected: yes. Observed: 2 variant alleles.
Comment: USH2A: BP4, BP7

Labcorp Genetics (formerly Invitae), Labcorp
Classification: Likely benign. Last evaluated: 2025-09-10. Review status: criteria provided, single submitter. Criteria: Invitae Variant Classification Sherloc (09022015). Collection method: clinical testing. Allele origin: germline.

PreventionGenetics, part of Exact Sciences
Classification: Likely benign for USH2A-related condition. Last evaluated: 2025-02-25. Review status: criteria provided, single submitter. Criteria: ACMG Guidelines, 2015. Collection method: clinical testing. Allele origin: germline.
Comment: This variant is classified as likely benign based on ACMG/AMP sequence variant interpretation guidelines (Richards et al. 2015 PMID: 25741868, with internal and published modifications).

Blueprint Genetics
Classification: Likely benign. Last evaluated: 2024-07-08. Review status: criteria provided, single submitter. Criteria: ACMG Guidelines, 2015. Collection method: clinical testing. Allele origin: germline.

Natera, Inc.
Classification: Uncertain significance for Usher syndrome type 2A. Last evaluated: 2020-01-24. Review status: no assertion criteria provided. Collection method: clinical testing. Allele origin: germline. Not counted in ClinVar's aggregate classification.